The following is an entry in ClinVar:

NM_000138.5(FBN1):c.5930G>A (p.Cys1977Tyr)

Gene: FBN1 (fibrillin 1; minus strand). Cytogenetic location: 15q21.1.
Variant type: single nucleotide variant.
Coding change: c.5930G>A on transcript NM_000138.5 (MANE Select); coding-DNA position 5930, G replaced by A.
Protein change: p.Cys1977Tyr; replaces cysteine 1977 with tyrosine.
Molecular consequence: missense variant.
Genome position (GRCh38, 1-based): chr15:48,444,648, C>T on the plus strand (G>A on the coding strand, the complement: FBN1 is on the minus strand). VCF-style: chr15-48444648-C-T. GRCh37 (hg19) VCF-style: chr15-48736845-C-T.
Other names: short protein forms C1977Y.
Identifiers: ClinVar variation 527152 (VCV000527152.10), dbSNP rs1555395663, ClinGen allele CA392339879.
Genomic context (GRCh38, chr15:48,444,648, plus strand): 5'-CTGTAGGACCCATCCAAGTTTTGACAGGTACCTGGTGCACATTTTCTGGGTTCTAGAAGA[C>T]ATTCATTGATATCTGCAAAGAAAAGGGAAAAATAAGGAAGAGGTTCCCACTGGCATGACT-3'
Protein context (NP_000129.3, residues 1967-1987): DGRTCVDINE[Cys1977Tyr]LLEPRKCAPG

ClinVar aggregate classification (germline): Pathogenic/Likely pathogenic. Review status: criteria provided, multiple submitters, no conflicts (2 of 4 stars). 4 submissions from 4 submitters: Pathogenic (2); Likely pathogenic (1). 1 of the submissions does not count toward it. Last evaluated 2025-08-13.

Conditions:
Familial thoracic aortic aneurysm and aortic dissection (TAAD). Also called: Thoracic aortic aneurysms and dissections. Identifiers: Orphanet 91387, MedGen C4707243, MONDO:0019625.
Marfan syndrome (MFS). Also called: Marfan syndrome type 1; Marfan syndrome, classic; Marfan's syndrome; FBN1-Related Marfan Syndrome; MARFAN SYNDROME, TYPE I. Identifiers: Orphanet 284963, Orphanet 558, MedGen C0024796, MONDO:0007947, OMIM 154700.

Submissions (4):

Dasa
Classification: Pathogenic. Last evaluated: 2025-08-13. Review status: criteria provided, single submitter. Criteria: DASA Assertion Criteria. Collection method: clinical testing. Allele origin: germline.
Comment: NM_000138.5(FBN1):c.5930G>A (p.Cys1977Tyr) is a missense variant that results in the substitution of cysteine with tyrosine. The affected residue or protein region has prior evidence supporting clinical relevance. Functional evidence supports a deleterious effect on the gene or gene product (PMID: 15371449; PMID: 9399842; PMID: 15241795). This variant has been recurrently observed in individuals with related phenotype (PMID: 15371449; PMID: 9399842; PMID: 15241795). Multiple computational predictions support a deleterious effect on the gene or gene product. The variant is present at low frequency in population datasets. Based on the available data, this variant is classified as pathogenic.

Ambry Genetics
Classification: Likely pathogenic for Familial thoracic aortic aneurysm and aortic dissection. Last evaluated: 2024-10-11. Review status: criteria provided, single submitter. Criteria: Ambry Variant Classification Scheme 2023. Collection method: clinical testing. Allele origin: germline.
Comment: The p.C1977Y variant (also known as c.5930G>A), located in coding exon 48 of the FBN1 gene, results from a G to A substitution at nucleotide position 5930. The cysteine at codon 1977 is replaced by tyrosine, an amino acid with highly dissimilar properties. This variant has been reported in subjects with features of FBN1-related disease (Loeys B et al. Hum Mutat, 2004 Aug;24:140-6; Qi M et al. Int Ophthalmol, 2022 Jul;42:2245-2253). The majority of FBN1 mutations identified to date have involved the substitution or generation of cysteine residues within cbEGF domains (Vollbrandt T et al. J Biol Chem. 2004;279(31):32924-32931). Internal structural analysis indicates this alteration eliminates a disulfide bond critical for the structural integrity of the cbEGF-30 domain (Ambry internal data). This amino acid position is highly conserved in available vertebrate species. In addition, this alteration is predicted to be deleterious by in silico analysis. This variant is considered to be rare based on population cohorts in the Genome Aggregation Database (gnomAD). Based on the majority of available evidence to date, this variant is likely to be pathogenic.

Labcorp Genetics (formerly Invitae), Labcorp
Classification: Pathogenic for Marfan syndrome; Familial thoracic aortic aneurysm and aortic dissection. Last evaluated: 2021-03-22. Review status: criteria provided, single submitter. Criteria: Invitae Variant Classification Sherloc (09022015). Collection method: clinical testing. Allele origin: germline.
Comment: For these reasons, this variant has been classified as Pathogenic. This sequence change replaces cysteine with tyrosine at codon 1977 of the FBN1 protein (p.Cys1977Tyr). The cysteine residue is highly conserved and there is a large physicochemical difference between cysteine and tyrosine. This variant is not present in population databases (ExAC no frequency). This variant has been reported in individuals affected with Marfan syndrome (PMID: 9399842, 15241795). ClinVar contains an entry for this variant (Variation ID: 527152). Experimental studies indicate that this missense change causes EGF-l intradomain misfolding (PMID: 15371449). This variant affects a cysteine residue located within an epidermal-growth-factor (EGF)–like domain of the FBN1 protein. Cysteine residues in these domains have been shown to be involved in the formation of disulfide bridges, which are critical for FBN1 protein structure and stability (PMID: 10486319, 3495735, 4750422, 16677079). In addition, missense substitutions within the FBN1 EGF-like domains affecting cysteine residues are significantly overrepresented among patients with Marfan syndrome (PMID: 16571647, 17701892). Two additional missense substitutions at this codon (p.Cys1977Arg, p.Cys1977Trp) have been reported in individuals affected with Marfan syndrome (PMID: 12161601, 18435798).

Center for Medical Genetics Ghent, University of Ghent
Classification: Likely pathogenic for Marfan syndrome. Last evaluated: 2017-11-07. Review status: no assertion criteria provided. Collection method: clinical testing. Allele origin: germline. Affected: yes. Not counted in ClinVar's aggregate classification.

Literature cited by the submitters: PubMed 15371449 (cited by Dasa and Labcorp Genetics (formerly Invitae), Labcorp); PubMed 9399842 (cited by Dasa and Labcorp Genetics (formerly Invitae), Labcorp); PubMed 15241795 (cited by 3 submitters); PubMed 35612688 (cited by Ambry Genetics); PubMed 10486319 (cited by Labcorp Genetics (formerly Invitae), Labcorp); PubMed 3495735 (cited by Labcorp Genetics (formerly Invitae), Labcorp); PubMed 4750422 (cited by Labcorp Genetics (formerly Invitae), Labcorp); PubMed 16677079 (cited by Labcorp Genetics (formerly Invitae), Labcorp); PubMed 16571647 (cited by Labcorp Genetics (formerly Invitae), Labcorp); PubMed 17701892 (cited by Labcorp Genetics (formerly Invitae), Labcorp); PubMed 12161601 (cited by Labcorp Genetics (formerly Invitae), Labcorp); PubMed 18435798 (cited by Labcorp Genetics (formerly Invitae), Labcorp).